The following is an entry in ClinVar:

ClinVar aggregate classification (germline): Pathogenic (1 of 4 stars; one submission).

Conditions:
Autosomal recessive limb-girdle muscular dystrophy type 2C (LGMDR5). Also called: MUSCULAR DYSTROPHY, DUCHENNE-LIKE; MUSCULAR DYSTROPHY, LIMB-GIRDLE, AUTOSOMAL RECESSIVE 5. Identifiers: Orphanet 353, MedGen C0410173, MONDO:0009677, OMIM 253700. Disease mechanism: Affects gamma-sarcoglycan and also disrupts the integrity of the entire sarcoglycan complex..

Submission:

Broad Center for Mendelian Genomics, Broad Institute of MIT and Harvard
Classification: Pathogenic for Autosomal recessive limb-girdle muscular dystrophy type 2C. Last evaluated: 2023-05-02. Review status: criteria provided, single submitter. Criteria: ACMG Guidelines, 2015. Collection method: curation. Allele origin: germline. Inheritance: Autosomal recessive inheritance.
Comment: The c.505+2T>C variant has been previously reported in two siblings with autosomal recessive limb-girdle muscular dystrophy type 2C (PMID: 15087111). This variant has also been reported in ClinVar (Variation ID: 813974) and has been interpreted as likely pathogenic by the Broad Institute Rare Disease Group. This variant was absent from large population studies. This variant is located in the 5' splice region. Computational tools do suggest an impact to splicing. However, this information is not predictive enough to determine pathogenicity. Loss of function of the SGCG gene is an established disease mechanism in autosomal recessive limb-girdle muscular dystrophy type 2C. In summary, this variant meets criteria to be classified as pathogenic for autosomal recessive limb-girdle muscular dystrophy type 2C. ACMG/AMP Criteria applied: PVS1, PM2_Supporting, PM3 (Richards 2015).

NM_000231.3(SGCG):c.505+2T>C

Gene: SGCG (sarcoglycan gamma; plus strand). Cytogenetic location: 13q12.12.
Variant type: single nucleotide variant.
Coding change: c.505+2T>C on transcript NM_000231.3 (MANE Select); the canonical splice donor site of the intron after coding-DNA position 505, T replaced by C.
Molecular consequence: splice donor variant.
Genome position (GRCh38, 1-based): chr13:23,279,480, T>C. VCF-style: chr13-23279480-T-C. GRCh37 (hg19) VCF-style: chr13-23853619-T-C.
Other names: c.559+2T>C (NM_001378244.1); c.505+2T>C (NM_001378245.1, NM_001378246.1).
Identifiers: ClinVar variation 813974 (VCV000813974.2), dbSNP rs1593216248, ClinGen allele CA387504251.